The following is an entry in ClinVar:

NM_001134673.4(NFIA):c.1311GCCACC[4] (p.Pro444_Met445insProPro)

Gene: NFIA (nuclear factor I A; plus strand). Cytogenetic location: 1p31.3.
Variant type: Microsatellite.
Coding change: c.1311GCCACC[4] on transcript NM_001134673.4 (MANE Select); four copies in a row of the 6-base unit GCCACC starting at c.1311; the reference has three copies in a row; one copy, 6 bases duplicated.
Protein change: p.Pro444_Met445insProPro.
Molecular consequence: inframe insertion.
Genome position (GRCh38, 1-based): chr1:61,406,630-61,406,635, GCCACC duplicated; duplicating any 6 consecutive bases within chr1:61,406,618-61,406,635 gives the same sequence; the position shown is the placement nearest the transcript's 3' end. VCF-style (leftmost placement, unchanged base first): chr1-61406617-T-TGCCACC. GRCh37 (hg19) VCF-style: chr1-61872289-T-TGCCACC.
Other names: c.1287GCCACC[4], p.Pro436_Met437insProPro (NM_001145511.2); c.1446GCCACC[4], p.Pro489_Met490insProPro (NM_001145512.2); c.1311GCCACC[4], p.Pro444_Met445insProPro (NM_005595.5).
Identifiers: ClinVar variation 4753303 (VCV004753303.1).

ClinVar aggregate classification (germline): Uncertain significance (1 of 4 stars; one submission).

Submission:

Labcorp Genetics (formerly Invitae), Labcorp
Classification: Uncertain significance. Last evaluated: 2025-10-28. Review status: criteria provided, single submitter. Criteria: Invitae Variant Classification Sherloc (09022015). Collection method: clinical testing. Allele origin: germline.
Comment: This variant, c.1323_1328dup, results in the insertion of 2 amino acid(s) of the NFIA protein (p.Pro443_Pro444dup), but otherwise preserves the integrity of the reading frame. This variant is present in population databases (rs755818590, gnomAD 0.007%). This variant has not been reported in the literature in individuals affected with NFIA-related conditions. In summary, the available evidence is currently insufficient to determine the role of this variant in disease. Therefore, it has been classified as a Variant of Uncertain Significance.